The following is an entry in ClinVar:

ClinVar aggregate classification (germline): Uncertain significance. Review status: criteria provided, multiple submitters, no conflicts (2 of 4 stars). 2 submissions from 2 submitters: Uncertain significance (2). Last evaluated 2025-09-30.

Submissions (2):

Women's Health and Genetics/Laboratory Corporation of America, LabCorp
Classification: Uncertain significance. Last evaluated: 2025-09-30. Review status: criteria provided, single submitter. Criteria: LabCorp Variant Classification Summary - May 2015. Collection method: clinical testing. Allele origin: germline.
Comment: Variant summary: COL11A2 c.187G>A (p.Ala63Thr) results in a non-conservative amino acid change in the encoded protein sequence. Algorithms developed to predict the effect of missense changes on protein structure and function are either unavailable or do not agree on the potential impact of this missense change. The variant was absent in 247304 control chromosomes. The available data on variant occurrences in the general population are insufficient to allow any conclusion about variant significance. To our knowledge, no occurrence of c.187G>A in individuals affected with COL11A2-related conditions and no experimental evidence demonstrating its impact on protein function have been reported. ClinVar contains an entry for this variant (Variation ID: 1306323). Based on the evidence outlined above, the variant was classified as uncertain significance.

GeneDx
Classification: Uncertain significance. Last evaluated: 2019-06-17. Review status: criteria provided, single submitter. Criteria: GeneDx Variant Classification Process June 2021. Collection method: clinical testing. Allele origin: germline. Affected: yes.
Comment: Not observed in large population cohorts (Lek et al., 2016); In silico analysis, which includes protein predictors and evolutionary conservation, supports that this variant does not alter protein structure/function; Has not been previously published as pathogenic or benign to our knowledge

NM_080680.3(COL11A2):c.187G>A (p.Ala63Thr)

Gene: COL11A2 (collagen type XI alpha 2 chain; minus strand). Cytogenetic location: 6p21.32.
Variant type: single nucleotide variant.
Coding change: c.187G>A on transcript NM_080680.3 (MANE Select); coding-DNA position 187, G replaced by A.
Protein change: p.Ala63Thr; replaces alanine 63 with threonine.
Molecular consequence: missense variant.
Genome position (GRCh38, 1-based): chr6:33,189,365, C>T on the plus strand (G>A on the coding strand, the complement: COL11A2 is on the minus strand). VCF-style: chr6-33189365-C-T. GRCh37 (hg19) VCF-style: chr6-33157142-C-T.
Other names: c.187G>A, p.Ala63Thr (NM_080679.3, NM_080681.3, NM_001163771.2); short protein forms A63T.
Identifiers: ClinVar variation 1306323 (VCV001306323.3), dbSNP rs2150624994, ClinGen allele CA363613171.